The following is an entry in ClinVar:

ClinVar aggregate classification (germline): Uncertain significance (1 of 4 stars; one submission).

gnomAD v4.1: 4 of 1,613,964 alleles (0.00025%); highest among the groups gnomAD compares: East Asian, 0.0045%; no homozygotes.

Submission:

Labcorp Genetics (formerly Invitae), Labcorp
Classification: Uncertain significance. Last evaluated: 2024-02-25. Review status: criteria provided, single submitter. Criteria: Invitae Variant Classification Sherloc (09022015). Collection method: clinical testing. Allele origin: germline.
Comment: This sequence change replaces glycine, which is neutral and non-polar, with glutamic acid, which is acidic and polar, at codon 120 of the ALPK1 protein (p.Gly120Glu). This variant is present in population databases (rs745752579, gnomAD 0.02%). This variant has not been reported in the literature in individuals affected with ALPK1-related conditions. Advanced modeling of protein sequence and biophysical properties (such as structural, functional, and spatial information, amino acid conservation, physicochemical variation, residue mobility, and thermodynamic stability) performed at Invitae indicates that this missense variant is expected to disrupt ALPK1 protein function with a positive predictive value of 80%. In summary, the available evidence is currently insufficient to determine the role of this variant in disease. Therefore, it has been classified as a Variant of Uncertain Significance.

NM_025144.4(ALPK1):c.359G>A (p.Gly120Glu)

Gene: ALPK1 (alpha kinase 1; plus strand). Cytogenetic location: 4q25.
Variant type: single nucleotide variant.
Coding change: c.359G>A on transcript NM_025144.4 (MANE Select); coding-DNA position 359, G replaced by A.
Protein change: p.Gly120Glu; replaces glycine 120 with glutamic acid.
Molecular consequence: missense variant.
Genome position (GRCh38, 1-based): chr4:112,411,909, G>A. VCF-style: chr4-112411909-G-A. GRCh37 (hg19) VCF-style: chr4-113333065-G-A.
Other names: c.359G>A, p.Gly120Glu (NM_001102406.2); c.125G>A, p.Gly42Glu (NM_001253884.2); short protein forms G42E, G120E.
Identifiers: ClinVar variation 3687753 (VCV003687753.2).